The following is an entry in ClinVar:

ClinVar aggregate classification (germline): Uncertain significance (1 of 4 stars; one submission).

Conditions:
IMPG1-related disorder. Also called: IMPG1-related condition.

gnomAD v4.1: 1 of 1,613,006 alleles (0.000062%); highest among the groups gnomAD compares: Admixed American, 0.0017%; no homozygotes.

Submission:

PreventionGenetics, part of Exact Sciences
Classification: Uncertain significance for IMPG1-related condition. Last evaluated: 2026-08-17. Review status: criteria provided, single submitter. Criteria: ACMG Guidelines, 2015. Collection method: clinical testing. Allele origin: germline.
Comment: The IMPG1 c.497+1G>A variant is predicted to disrupt the GT donor site and interfere with normal splicing. To our knowledge, this variant has not been reported in the literature. This variant is reported in 0.0029% of alleles in individuals of Latino descent in gnomAD. Predicted loss of function variants in IMPG1 are not a fully established mechanism of disease. Therefore, although we suspect that this variant may be pathogenic for autosomal recessive disease, at this time, the clinical significance of this variant is uncertain due to the absence of conclusive functional and genetic evidence.

NM_001563.4(IMPG1):c.497+1G>A

Gene: IMPG1 (interphotoreceptor matrix proteoglycan 1; minus strand). Cytogenetic location: 6q14.1.
Variant type: single nucleotide variant.
Coding change: c.497+1G>A on transcript NM_001563.4 (MANE Select); the canonical splice donor site of the intron after coding-DNA position 497, G replaced by A.
Molecular consequence: splice donor variant.
Genome position (GRCh38, 1-based): chr6:76,034,314, C>T on the plus strand (G>A on the coding strand, the complement: IMPG1 is on the minus strand). VCF-style: chr6-76034314-C-T. GRCh37 (hg19) VCF-style: chr6-76744031-C-T.
Other names: c.263+1G>A (NM_001282368.2).
Identifiers: ClinVar variation 4983618 (VCV004983618.1).